The following is an entry in ClinVar:

ClinVar aggregate classification (germline): Benign. Review status: criteria provided, multiple submitters, no conflicts (2 of 4 stars). 13 submissions from 13 submitters: Benign (12). 1 of the submissions does not count toward it. Last evaluated 2026-02-04.

Conditions:
Alport syndrome. Also called: Hemorrhagic familial nephritis; Hemorrhagic hereditary nephritis; Congenital hereditary hematuria. Identifiers: Orphanet 63, MedGen C1567741, MONDO:0018965.
Autosomal recessive Alport syndrome (ATS2). Also called: ALPORT SYNDROME 2, AUTOSOMAL RECESSIVE; Alport syndrome type 2; COL4A4 Alport Syndrome and Thin Basement Membrane Nephropathy; COL4A3-Related Nephropathy. Identifiers: Orphanet 63, Orphanet 88919, MedGen C4746745, MONDO:0008762, OMIM 203780.

Allele frequency attached by ClinVar (database versions not stated): ESP Exome Variant Server 0.45131; gnomAD 0.46646 and 0.46867; TOPMed 0.46901; gnomAD exomes 0.47349; ExAC 0.48012; 1000 Genomes Project 30x 0.49375; 1000 Genomes Project 0.49601.
gnomAD v4.1: 704,726 of 1,585,900 alleles (44%); highest among the groups gnomAD compares: South Asian, 57%; 159,225 homozygotes.

Submissions (13):

Labcorp Genetics (formerly Invitae), Labcorp
Classification: Benign. Last evaluated: 2026-02-04. Review status: criteria provided, single submitter. Criteria: Invitae Variant Classification Sherloc (09022015). Collection method: clinical testing. Allele origin: germline.

Women's Health and Genetics/Laboratory Corporation of America, LabCorp
Classification: Benign. Last evaluated: 2024-11-29. Review status: criteria provided, single submitter. Criteria: LabCorp Variant Classification Summary - May 2015. Collection method: clinical testing. Allele origin: germline.

Blueprint Genetics
Classification: Benign. Last evaluated: 2024-11-26. Review status: criteria provided, single submitter. Criteria: ACMG Guidelines, 2015. Collection method: clinical testing. Allele origin: germline.

Unidad de Genómica Garrahan, Hospital de Pediatría Garrahan
Classification: Benign. Last evaluated: 2024-07-15. Review status: criteria provided, single submitter. Criteria: ACMG Guidelines, 2015. Collection method: clinical testing. Allele origin: germline. Affected: no. Observed: 67 variant alleles.
Comment: This variant is classified as Benign based on local population frequency. This variant was detected in 72% of patients studied in a panel designed for Epileptic and Developmental Encephalopathy and Progressive Myoclonus Epilepsy. Number of patients: 67. Only high quality variants are reported.

Mayo Clinic Laboratories, Mayo Clinic
Classification: Benign. Last evaluated: 2022-03-09. Review status: criteria provided, single submitter. Criteria: ACMG Guidelines, 2015. Collection method: clinical testing. Allele origin: germline. Observed: 251 variant alleles.

Genome-Nilou Lab
Classification: Benign for Autosomal recessive Alport syndrome. Last evaluated: 2021-07-10. Review status: criteria provided, single submitter. Criteria: ACMG Guidelines, 2015. Collection method: clinical testing. Allele origin: germline. Affected: no.

Illumina Laboratory Services, Illumina
Classification: Benign for Alport syndrome. Last evaluated: 2018-01-13. Review status: criteria provided, single submitter. Criteria: ICSL Variant Classification Criteria 13 December 2019. Collection method: clinical testing. Allele origin: germline.
Comment: This variant was observed in the ICSL laboratory as part of a predisposition screen in an ostensibly healthy population. It had not been previously curated by ICSL or reported in the Human Gene Mutation Database (HGMD: prior to June 1st, 2018), and was therefore a candidate for classification through an automated scoring system. Utilizing variant allele frequency, disease prevalence and penetrance estimates, and inheritance mode, an automated score was calculated to assess if this variant is too frequent to cause the disease. Based on the score and internal cut-off values, a variant classified as benign is not then subjected to further curation. The score for this variant resulted in a classification of benign for this disease.

GeneDx
Classification: Benign. Last evaluated: 2017-05-09. Review status: criteria provided, single submitter. Criteria: GeneDx Variant Classification (06012015). Collection method: clinical testing. Allele origin: germline. Affected: yes.
Comment: This variant is considered likely benign or benign based on one or more of the following criteria: it is a conservative change, it occurs at a poorly conserved position in the protein, it is predicted to be benign by multiple in silico algorithms, and/or has population frequency not consistent with disease.

Athena Diagnostics
Classification: Benign. Last evaluated: 2017-04-03. Review status: criteria provided, single submitter. Criteria: Athena Diagnostics Criteria. Collection method: clinical testing. Allele origin: germline.

Laboratory for Molecular Medicine, Mass General Brigham Personalized Medicine
Classification: Benign. Last evaluated: 2016-03-21. Review status: criteria provided, single submitter. Criteria: LMM Criteria. Collection method: clinical testing. Allele origin: germline. Observed: 39 variant alleles.
Comment: c.3817+9G>C in intron 40 of COL4A4: This variant is not expected to have clinica l significance because it is not located within the splice consensus sequence an d has been identified in 57.91% (9317/16088) of South Asian chromosomes by the E xome Aggregation Consortium (ExAC; dbSNP rs13423 714).

Breakthrough Genomics
Classification: Benign. Review status: criteria provided, single submitter. Criteria: ACMG Guidelines, 2015. Collection method: not provided. Allele origin: germline. Inheritance: Autosomal recessive inheritance. Affected: yes.

PreventionGenetics, part of Exact Sciences
Classification: Benign. Review status: criteria provided, single submitter. Criteria: ACMG Guidelines, 2015. Collection method: clinical testing. Allele origin: germline.

Natera, Inc.
Classification: Benign for Alport syndrome. Last evaluated: 2020-09-16. Review status: no assertion criteria provided. Collection method: clinical testing. Allele origin: germline. Not counted in ClinVar's aggregate classification.

NM_000092.5(COL4A4):c.3817+9G>C

Gene: COL4A4 (collagen type IV alpha 4 chain; minus strand). Cytogenetic location: 2q36.3.
Variant type: single nucleotide variant.
Coding change: c.3817+9G>C on transcript NM_000092.5 (MANE Select); 9 bases into the intron after coding-DNA position 3817, G replaced by C.
Molecular consequence: intron variant.
Genome position (GRCh38, 1-based): chr2:227,031,936, C>G on the plus strand (G>C on the coding strand, the complement: COL4A4 is on the minus strand). VCF-style: chr2-227031936-C-G. GRCh37 (hg19) VCF-style: chr2-227896652-C-G.
Other names: p.?.
Identifiers: ClinVar variation 255033 (VCV000255033.27), dbSNP rs13423714, ClinGen allele CA2144415.